The following is an entry in ClinVar:

ClinVar aggregate classification (germline): Uncertain significance (1 of 4 stars; one submission).

Conditions:
Ehlers-Danlos syndrome, classic type, 1 (EDSCL1). Also called: EHLERS-DANLOS SYNDROME, GRAVIS TYPE; EHLERS-DANLOS SYNDROME, SEVERE CLASSIC TYPE; Ehlers-Danlos syndrome, type 1; Ehlers-Danlos Syndrome, Classic Type, COL5A1-Related; EDS I. Identifiers: MedGen C0268335, MONDO:0019567, OMIM 130000.

Submission:

Labcorp Genetics (formerly Invitae), Labcorp
Classification: Uncertain significance for Ehlers-Danlos syndrome, classic type, 1. Last evaluated: 2025-11-12. Review status: criteria provided, single submitter. Criteria: Invitae Variant Classification Sherloc (09022015). Collection method: clinical testing. Allele origin: germline.
Comment: This sequence change replaces glycine, which is neutral and non-polar, with alanine, which is neutral and non-polar, at codon 1333 of the COL5A2 protein (p.Gly1333Ala). This variant is not present in population databases (gnomAD no frequency). This variant has not been reported in the literature in individuals affected with COL5A2-related conditions. Invitae Evidence Modeling of protein sequence and biophysical properties (such as structural, functional, and spatial information, amino acid conservation, physicochemical variation, residue mobility, and thermodynamic stability) indicates that this missense variant is not expected to disrupt COL5A2 protein function with a negative predictive value of 80%. In summary, the available evidence is currently insufficient to determine the role of this variant in disease. Therefore, it has been classified as a Variant of Uncertain Significance.

NM_000393.5(COL5A2):c.3998G>C (p.Gly1333Ala)

Gene: COL5A2 (collagen type V alpha 2 chain; minus strand). Cytogenetic location: 2q32.2.
Variant type: single nucleotide variant.
Coding change: c.3998G>C on transcript NM_000393.5 (MANE Select); coding-DNA position 3998, G replaced by C.
Protein change: p.Gly1333Ala; replaces glycine 1333 with alanine.
Molecular consequence: missense variant.
Genome position (GRCh38, 1-based): chr2:189,036,731, C>G on the plus strand (G>C on the coding strand, the complement: COL5A2 is on the minus strand). VCF-style: chr2-189036731-C-G. GRCh37 (hg19) VCF-style: chr2-189901457-C-G.
Other names: short protein forms G1333A.
Identifiers: ClinVar variation 4740592 (VCV004740592.1).